The following is an entry in ClinVar:

NM_005219.5(DIAPH1):c.1271A>G (p.Tyr424Cys)

Gene: DIAPH1 (diaphanous related formin 1; minus strand). Cytogenetic location: 5q31.3.
Variant type: single nucleotide variant.
Coding change: c.1271A>G on transcript NM_005219.5 (MANE Select); coding-DNA position 1271, A replaced by G.
Protein change: p.Tyr424Cys; replaces tyrosine 424 with cysteine.
Molecular consequence: missense variant.
Genome position (GRCh38, 1-based): chr5:141,577,484, T>C on the plus strand (A>G on the coding strand, the complement: DIAPH1 is on the minus strand). VCF-style: chr5-141577484-T-C. GRCh37 (hg19) VCF-style: chr5-140957051-T-C.
Other names: c.1271A>G (NM_005219.4); c.1244A>G, p.Tyr415Cys (NM_001079812.3); c.1271A>G, p.Tyr424Cys (NM_001314007.2); short protein forms Y415C, Y424C.
Identifiers: ClinVar variation 1430769 (VCV001430769.40), dbSNP rs895429714, ClinGen allele CA128439409.

ClinVar aggregate classification (germline): Uncertain significance. Review status: criteria provided, multiple submitters, no conflicts (2 of 4 stars). 4 submissions from 4 submitters: Uncertain significance (4). Last evaluated 2025-10-26.

Conditions:
Autosomal dominant nonsyndromic hearing loss 1. Also called: DEAFNESS, AUTOSOMAL DOMINANT 1, WITH OR WITHOUT THROMBOCYTOPENIA; KONIGSMARK SYNDROME. Identifiers: Orphanet 90635, MedGen C1852282, MONDO:0007424, OMIM 124900.
Progressive microcephaly-seizures-cortical blindness-developmental delay syndrome. Also called: Seizures, cortical blindness, and microcephaly syndrome. Identifiers: Orphanet 477814, MedGen C5567650, MONDO:0014714, OMIM 616632.
Inborn genetic diseases. Identifiers: MedGen C0950123, MeSH D030342.

Allele frequency attached by ClinVar (database versions not stated): gnomAD 0.00001 and 0.00002; gnomAD exomes 0.00001 and 0.00002; TOPMed 0.00003.
gnomAD v4.1: 29 of 1,610,790 alleles (0.0018%); highest among the groups gnomAD compares: Non-Finnish European, 0.0024%; no homozygotes.

Submissions (4):

Labcorp Genetics (formerly Invitae), Labcorp
Classification: Uncertain significance for Progressive microcephaly-seizures-cortical blindness-developmental delay syndrome; Autosomal dominant nonsyndromic hearing loss 1. Last evaluated: 2025-10-26. Review status: criteria provided, single submitter. Criteria: Invitae Variant Classification Sherloc (09022015). Collection method: clinical testing. Allele origin: germline.
Comment: This sequence change replaces tyrosine, which is neutral and polar, with cysteine, which is neutral and slightly polar, at codon 424 of the DIAPH1 protein (p.Tyr424Cys). This variant is present in population databases (no rsID available, gnomAD 0.006%). This variant has not been reported in the literature in individuals affected with DIAPH1-related conditions. ClinVar contains an entry for this variant (Variation ID: 1430769). Experimental studies and prediction algorithms are not available or were not evaluated, and the functional significance of this variant is currently unknown. In summary, the available evidence is currently insufficient to determine the role of this variant in disease. Therefore, it has been classified as a Variant of Uncertain Significance.

Ambry Genetics
Classification: Uncertain significance for Inborn genetic diseases. Last evaluated: 2024-11-08. Review status: criteria provided, single submitter. Criteria: Ambry Variant Classification Scheme 2023. Collection method: clinical testing. Allele origin: germline.

CeGaT Center for Human Genetics Tuebingen
Classification: Uncertain significance. Last evaluated: 2022-02-01. Review status: criteria provided, single submitter. Criteria: CeGaT Center For Human Genetics Tuebingen Variant Classification Criteria Version 2. Collection method: clinical testing. Allele origin: germline. Affected: yes. Observed: 1 variant allele.

Blueprint Genetics
Classification: Uncertain significance. Last evaluated: 2019-03-01. Review status: criteria provided, single submitter. Criteria: ACMG Guidelines, 2015. Collection method: clinical testing. Allele origin: germline.